The following is an entry in ClinVar:

NM_001367721.1(CASK):c.1289G>A (p.Arg430His)

Gene: CASK (calcium/calmodulin dependent serine protein kinase; minus strand). Cytogenetic location: Xp11.4.
Variant type: single nucleotide variant.
Coding change: c.1289G>A on transcript NM_001367721.1 (MANE Select); coding-DNA position 1289, G replaced by A.
Protein change: p.Arg430His; replaces arginine 430 with histidine.
Molecular consequence: missense variant.
Genome position (GRCh38, 1-based): chrX:41,586,932, C>T on the plus strand (G>A on the coding strand, the complement: CASK is on the minus strand). VCF-style: chrX-41586932-C-T. GRCh37 (hg19) VCF-style: chrX-41446185-C-T.
Other names: c.1289G>A, p.Arg430His (NM_001126054.3, NM_003688.4); c.1271G>A, p.Arg424His (NM_001126055.3, NM_001410745.1); short protein forms R430H, R424H.
Identifiers: ClinVar variation 225085 (VCV000225085.28), dbSNP rs139731261, ClinGen allele CA358261.

ClinVar aggregate classification (germline): Benign/Likely benign. Review status: criteria provided, multiple submitters, no conflicts (2 of 4 stars). 5 submissions from 5 submitters: Benign (3); Likely benign (1). 1 of the submissions does not count toward it. Last evaluated 2026-01-12.

Conditions:
CASK-related disorder. Also called: CASK-related disorders; CASK-related condition.
Inborn genetic diseases. Identifiers: MedGen C0950123, MeSH D030342.
Intellectual disability, CASK-related, X-linked. Identifiers: MedGen CN043158.

Allele frequency attached by ClinVar (database versions not stated): gnomAD exomes 0.00012 and 0.00025; TOPMed 0.00013; gnomAD 0.00020; ExAC 0.00032; ESP Exome Variant Server 0.00038.

Submissions (5):

Labcorp Genetics (formerly Invitae), Labcorp
Classification: Benign for Intellectual disability, CASK-related, X-linked. Last evaluated: 2026-01-12. Review status: criteria provided, single submitter. Criteria: Invitae Variant Classification Sherloc (09022015). Collection method: clinical testing. Allele origin: germline.

CeGaT Center for Human Genetics Tuebingen
Classification: Likely benign. Last evaluated: 2025-10-01. Review status: criteria provided, single submitter. Criteria: CeGaT Center For Human Genetics Tuebingen Variant Classification Criteria Version 2. Collection method: clinical testing. Allele origin: germline. Affected: yes. Observed: 1 variant allele.
Comment: CASK: BS2

Ambry Genetics
Classification: Benign for Inborn genetic diseases. Last evaluated: 2024-10-29. Review status: criteria provided, single submitter. Criteria: Ambry Variant Classification Scheme 2023. Collection method: clinical testing. Allele origin: germline.

GeneDx
Classification: Benign. Last evaluated: 2019-03-07. Review status: criteria provided, single submitter. Criteria: GeneDx Variant Classification Process June 2021. Collection method: clinical testing. Allele origin: germline. Affected: yes.
Comment: This variant is associated with the following publications: (PMID: 32799327)

PreventionGenetics, part of Exact Sciences
Classification: Likely benign for CASK-related condition. Last evaluated: 2023-09-25. Review status: no assertion criteria provided. Collection method: clinical testing. Allele origin: germline. Not counted in ClinVar's aggregate classification.
Comment: This variant is classified as likely benign based on ACMG/AMP sequence variant interpretation guidelines (Richards et al. 2015 PMID: 25741868, with internal and published modifications).

Literature cited by the submitters: PubMed 28518168 (cited by Ambry Genetics); PubMed 32461654 (cited by Ambry Genetics); PubMed 35281599 (cited by Ambry Genetics).